The following is an entry in ClinVar:

ClinVar aggregate classification (germline): Conflicting classifications of pathogenicity. Review status: criteria provided, conflicting classifications (1 of 4 stars). 4 submissions from 4 submitters: Uncertain significance (1); Likely benign (3). Last evaluated 2025-03-27.

Conditions:
Hereditary cancer-predisposing syndrome. Also called: Hereditary Cancer Syndrome; Tumor predisposition; Neoplastic Syndromes, Hereditary; Hereditary neoplastic syndrome. Identifiers: Orphanet 140162, MedGen C0027672, MeSH D009386, MONDO:0015356.
Peutz-Jeghers syndrome (PJS). Also called: Peutz-Jeghers polyposis; Periorificial lentiginosis syndrome; POLYPOSIS, HAMARTOMATOUS INTESTINAL; POLYPS-AND-SPOTS SYNDROME. Identifiers: Orphanet 2869, MedGen C0031269, MeSH D010580, MONDO:0008280, OMIM 175200.

Allele frequency attached by ClinVar (database versions not stated): gnomAD exomes 0.00002; ExAC 0.00005.
gnomAD v4.1: 3 of 1,553,022 alleles (0.00019%); highest among the groups gnomAD compares: Admixed American, 0.0039%; no homozygotes.

Submissions (4):

Myriad Genetics, Inc.
Classification: Likely benign for Peutz-Jeghers syndrome. Last evaluated: 2025-03-27. Review status: criteria provided, single submitter. Criteria: Myriad Autosomal Dominant, Autosomal Recessive and X-Linked Classification Criteria (2023). Collection method: clinical testing. Allele origin: unknown.
Comment: This variant is considered likely benign. This variant is intronic and is not expected to impact mRNA splicing.

Labcorp Genetics (formerly Invitae), Labcorp
Classification: Likely benign for Peutz-Jeghers syndrome. Last evaluated: 2023-10-05. Review status: criteria provided, single submitter. Criteria: Invitae Variant Classification Sherloc (09022015). Collection method: clinical testing. Allele origin: germline.

All of Us Research Program, National Institutes of Health
Classification: Likely benign for Peutz-Jeghers syndrome. Last evaluated: 2023-03-23. Review status: criteria provided, single submitter. Criteria: ACMG Guidelines, 2015. Collection method: clinical testing. Allele origin: germline. Inheritance: Autosomal dominant inheritance. Observed: 1 variant allele, 1 heterozygote.
Comment: This study involves interpretation of variants in research participants for the purpose of population health screening. Participant phenotype was not available at the time of variant classification. Additional details can be found in publication PMID: 35346344, PMCID: PMC8962531

Sema4
Classification: Uncertain significance for Hereditary cancer-predisposing syndrome. Last evaluated: 2022-01-22. Review status: criteria provided, single submitter. Criteria: Sema4 Curation Guidelines. Collection method: curation. Allele origin: germline.
Comment: The STK11 c.863-12G>A variant has not been reported in the literature to our knowledge. It was observed in 2/25122 chromosomes of the Latino subpopulation in the large and broad cohorts of the Genome Aggregation Database (PMID: 32461654). The variant has not been reported in ClinVar. In silico tools suggest the impact of the variant on splicing is benign, though these predictions have not been confirmed by functional studies. The evidence is insufficient to meet ACMG/AMP criteria for classifying the variant as benign or pathogenic. Thus, the clinical significance of this variant is currently uncertain.

NM_000455.5(STK11):c.863-12G>A

Gene: STK11 (serine/threonine kinase 11; plus strand). Cytogenetic location: 19p13.3.
Variant type: single nucleotide variant.
Coding change: c.863-12G>A on transcript NM_000455.5 (MANE Select); 12 bases into the intron before coding-DNA position 863, G replaced by A.
Molecular consequence: intron variant.
Genome position (GRCh38, 1-based): chr19:1,221,937, G>A. VCF-style: chr19-1221937-G-A. GRCh37 (hg19) VCF-style: chr19-1221936-G-A.
Identifiers: ClinVar variation 1595266 (VCV001595266.12), dbSNP rs753729414, ClinGen allele CA049298.